The following is an entry in ClinVar:

ClinVar aggregate classification (germline): Uncertain significance (1 of 4 stars; one submission).

gnomAD v4.1: 2 of 1,613,828 alleles (0.00012%); highest among the groups gnomAD compares: East Asian, 0.0022%; no homozygotes.

Submission:

GeneDx
Classification: Uncertain significance. Last evaluated: 2025-06-06. Review status: criteria provided, single submitter. Criteria: GeneDx Variant Classification Process June 2021. Collection method: clinical testing. Allele origin: germline. Affected: yes.
Comment: Not observed at significant frequency in large population cohorts (gnomAD); In silico analysis supports that this missense variant has a deleterious effect on protein structure/function; Has not been previously published as pathogenic or benign to our knowledge

NM_001393769.1(MED12L):c.1754C>T (p.Ser585Leu)

Gene: MED12L (mediator complex subunit 12L; plus strand). Cytogenetic location: 3q25.1.
Variant type: single nucleotide variant.
Coding change: c.1754C>T on transcript NM_001393769.1 (MANE Select); coding-DNA position 1754, C replaced by T.
Protein change: p.Ser585Leu; replaces serine 585 with leucine.
Molecular consequence: missense variant.
Genome position (GRCh38, 1-based): chr3:151,190,717, C>T. VCF-style: chr3-151190717-C-T. GRCh37 (hg19) VCF-style: chr3-150908504-C-T.
Other names: c.1754C>T, p.Ser585Leu (NM_053002.6); short protein forms S585L.
Identifiers: ClinVar variation 4537983 (VCV004537983.1).
Genomic context (GRCh38, chr3:151,190,717, plus strand): 5'-TAATTAGTTTTTTTCTACCACCTGCTCAAGGAATTCTTGATTGAATTTGTTTCTCTATAG[C>T]GGACCCAAACAGTGAATGTGAAAAGGTGGAATTTGTGAACCTGGTGCTGCTCTTCTGCGA-3'
Protein context (NP_001380698.1, residues 575-595): RFLDTQAPSL[Ser585Leu]DPNSECEKVE